The following is an entry in ClinVar:

NM_178857.6(RP1L1):c.594G>A (p.Thr198=)

Gene: RP1L1 (RP1 like 1). Cytogenetic location: 8p23.1.
Variant type: single nucleotide variant.
Coding change: c.594G>A on transcript NM_178857.6 (MANE Select); coding-DNA position 594, G replaced by A.
Protein change: p.Thr198=; no amino-acid change (threonine 198 retained).
Molecular consequence: synonymous variant.
Genome position (GRCh38, 1-based): chr8:10,622,608, C>T on the plus strand (G>A on the coding strand, the complement: RP1L1 is on the minus strand). VCF-style: chr8-10622608-C-T. GRCh37 (hg19) VCF-style: chr8-10480118-C-T.
Identifiers: ClinVar variation 785872 (VCV000785872.38), dbSNP rs778582315, ClinGen allele CA4625631.

ClinVar aggregate classification (germline): Benign/Likely benign. Review status: criteria provided, multiple submitters, no conflicts (2 of 4 stars). 5 submissions from 5 submitters: Benign (1); Likely benign (3). 1 of the submissions does not count toward it. Last evaluated 2026-01-01.

Conditions:
RP1L1-related disorder. Also called: RP1L1-related condition.
Occult macular dystrophy (OCMD). Also called: OMD; OCCULT MACULAR DYSTROPHY, SUSCEPTIBILITY TO. Identifiers: Orphanet 247834, MedGen C3150833, MONDO:0013316, OMIM 613587, HP:0030636.

Allele frequency attached by ClinVar (database versions not stated): TOPMed 0.00015.
gnomAD v4.1: 147 of 1,614,104 alleles (0.0091%); highest among the groups gnomAD compares: Admixed American, 0.048%; 3 homozygotes.

Submissions (5):

Labcorp Genetics (formerly Invitae), Labcorp
Classification: Likely benign. Last evaluated: 2026-01-01. Review status: criteria provided, single submitter. Criteria: Invitae Variant Classification Sherloc (09022015). Collection method: clinical testing. Allele origin: germline.

Blueprint Genetics
Classification: Likely benign. Last evaluated: 2024-08-16. Review status: criteria provided, single submitter. Criteria: ACMG Guidelines, 2015. Collection method: clinical testing. Allele origin: germline.

CeGaT Center for Human Genetics Tuebingen
Classification: Likely benign. Last evaluated: 2023-01-01. Review status: criteria provided, single submitter. Criteria: CeGaT Center For Human Genetics Tuebingen Variant Classification Criteria Version 2. Collection method: clinical testing. Allele origin: germline. Affected: yes. Observed: 1 variant allele.
Comment: RP1L1: BP4, BP7

Illumina Laboratory Services, Illumina
Classification: Benign for Occult macular dystrophy. Last evaluated: 2018-03-06. Review status: criteria provided, single submitter. Criteria: ICSL Variant Classification Criteria 13 December 2019. Collection method: clinical testing. Allele origin: germline.
Comment: This variant was observed in the ICSL laboratory as part of a predisposition screen in an ostensibly healthy population. It had not been previously curated by ICSL or reported in the Human Gene Mutation Database (HGMD: prior to June 1st, 2018), and was therefore a candidate for classification through an automated scoring system. Utilizing variant allele frequency, disease prevalence and penetrance estimates, and inheritance mode, an automated score was calculated to assess if this variant is too frequent to cause the disease. Based on the score and internal cut-off values, a variant classified as benign is not then subjected to further curation. The score for this variant resulted in a classification of benign for this disease.

PreventionGenetics, part of Exact Sciences
Classification: Likely benign for RP1L1-related condition. Last evaluated: 2020-01-02. Review status: no assertion criteria provided. Collection method: clinical testing. Allele origin: germline. Not counted in ClinVar's aggregate classification.
Comment: This variant is classified as likely benign based on ACMG/AMP sequence variant interpretation guidelines (Richards et al. 2015 PMID: 25741868, with internal and published modifications).